The following is an entry in ClinVar:

NM_000059.4(BRCA2):c.4000_4001del (p.Leu1334fs)

Gene: BRCA2 (BRCA2 DNA repair associated; plus strand). Cytogenetic location: 13q13.1.
Variant type: Deletion.
Coding change: c.4000_4001del on transcript NM_000059.4 (MANE Select); coding-DNA positions 4000 to 4001, 2 bases deleted (TT; older notation c.4000_4001delTT).
Protein change: p.Leu1334fs; shifts the reading frame from leucine 1334.
Molecular consequence: frameshift variant.
Genome position (GRCh38, 1-based): chr13:32,338,355-32,338,356, TT deleted. VCF-style (leftmost placement, unchanged base first): chr13-32338354-CTT-C. GRCh37 (hg19) VCF-style: chr13-32912491-CTT-C.
Other names: 4228delTT; c.4000_4001delTT (NM_000059.3); short protein forms L1334fs.
Identifiers: ClinVar variation 91812 (VCV000091812.15), dbSNP rs398122775, ClinGen allele CA019371.

ClinVar aggregate classification (germline): Pathogenic. Review status: reviewed by expert panel (3 of 4 stars). 5 submissions from 5 submitters: Pathogenic (1). 4 of the submissions do not count toward it. Last evaluated 2016-09-08.

Conditions:
Hereditary breast ovarian cancer syndrome. Also called: Breast and ovarian cancer; Hereditary breast and ovarian cancer; Hereditary breast and ovarian cancer syndrome; BRCA1- and BRCA2-Associated Hereditary Breast and Ovarian Cancer; Hereditary breast and ovarian cancer syndrome (HBOC); Hereditary breast and/or ovarian cancer syndrome. Identifiers: Orphanet 145, MedGen C0677776, MeSH D061325, MONDO:0003582. Disease mechanism: loss of function.
Hereditary cancer-predisposing syndrome. Also called: Tumor predisposition; Hereditary Cancer Syndrome; Neoplastic Syndromes, Hereditary; Hereditary neoplastic syndrome. Identifiers: Orphanet 140162, MedGen C0027672, MeSH D009386, MONDO:0015356.
Breast-ovarian cancer, familial, susceptibility to, 2 (BROVCA2). Also called: BRCA2 Hereditary Breast and Ovarian Cancer. Identifiers: Orphanet 145, MedGen C2675520, MONDO:0012933, OMIM 612555. Disease mechanism: loss of function.

Submissions (5):

Evidence-based Network for the Interpretation of Germline Mutant Alleles (ENIGMA)
Classification: Pathogenic for Breast-ovarian cancer, familial, susceptibility to, 2. Last evaluated: 2016-09-08. Review status: reviewed by expert panel. Criteria: ENIGMA BRCA1/2 Classification Criteria (2015). Collection method: curation. Allele origin: germline.
Comment: Variant allele predicted to encode a truncated non-functional protein.

Labcorp Genetics (formerly Invitae), Labcorp
Classification: Pathogenic for Hereditary breast ovarian cancer syndrome. Last evaluated: 2025-07-29. Review status: criteria provided, single submitter. Criteria: Invitae Variant Classification Sherloc (09022015). Collection method: clinical testing. Allele origin: germline. Not counted in ClinVar's aggregate classification.
Comment: This sequence change creates a premature translational stop signal (p.Leu1334Argfs*3) in the BRCA2 gene. It is expected to result in an absent or disrupted protein product. Loss-of-function variants in BRCA2 are known to be pathogenic (PMID: 20104584). This variant is not present in population databases (gnomAD no frequency). This premature translational stop signal has been observed in individual(s) with breast cancer (PMID: 26681312). ClinVar contains an entry for this variant (Variation ID: 91812). For these reasons, this variant has been classified as Pathogenic.

Ambry Genetics
Classification: Pathogenic for Hereditary cancer-predisposing syndrome. Last evaluated: 2023-11-21. Review status: criteria provided, single submitter. Criteria: Ambry Variant Classification Scheme 2023. Collection method: clinical testing. Allele origin: germline. Not counted in ClinVar's aggregate classification.
Comment: The c.4000_4001delTT pathogenic mutation, located in coding exon 10 of the BRCA2 gene, results from a deletion of two nucleotides at nucleotide positions 4000 to 4001, causing a translational frameshift with a predicted alternate stop codon (p.L1334Rfs*3). This alteration was identified in 1/10030 consecutive patients referred for evaluation by an NGS hereditary cancer panel (Susswein LR et al. Genet. Med., 2016 08;18:823-32). In addition to the clinical data presented in the literature, this alteration is expected to result in loss of function by premature protein truncation or nonsense-mediated mRNA decay. As such, this alteration is interpreted as a disease-causing mutation.

GeneDx
Classification: Pathogenic. Last evaluated: 2014-06-05. Review status: criteria provided, single submitter. Criteria: GeneDx Variant Classification (06012015). Collection method: clinical testing. Allele origin: germline. Affected: yes. Not counted in ClinVar's aggregate classification.
Comment: This pathogenic variant is denoted BRCA2 c.4000_4001delTT at the cDNA level and p.Leu1334ArgfsX3 (L1334RfsX3) at the protein level. The normal sequence with the bases that are deleted in brackets is TAAC[TT]AGAA. The deletion causes a frameshift, changing a Leucine to an Arginine at codon 1334, and creating a premature stop codon at position 3 of the new reading frame. This variant is predicted to cause loss of normal protein function through either protein truncation or nonsense-mediated mRNA decay. Although BRCA2 c.4000_4001delTT, also known as c.4228_4229delTT using alternate nomenclature, has not been previously reported to our knowledge, it is considered pathogenic.

Sharing Clinical Reports Project (SCRP)
Classification: Pathogenic for Breast-ovarian cancer, familial 2. Last evaluated: 2006-09-01. Review status: no assertion criteria provided. Collection method: clinical testing. Allele origin: germline. Not counted in ClinVar's aggregate classification.

Literature cited by the submitters: PubMed 20104584 (cited by Labcorp Genetics (formerly Invitae), Labcorp); PubMed 26681312 (cited by Labcorp Genetics (formerly Invitae), Labcorp and Ambry Genetics).